The following is an entry in ClinVar:

NM_003336.4(UBE2A):c.283C>T (p.Arg95Cys)

Gene: UBE2A (ubiquitin conjugating enzyme E2 A; plus strand). Cytogenetic location: Xq24.
Variant type: single nucleotide variant.
Coding change: c.283C>T on transcript NM_003336.4 (MANE Select); coding-DNA position 283, C replaced by T.
Protein change: p.Arg95Cys; replaces arginine 95 with cysteine.
Molecular consequence: missense variant.
Genome position (GRCh38, 1-based): chrX:119,582,629, C>T. VCF-style: chrX-119582629-C-T. GRCh37 (hg19) VCF-style: chrX-118716592-C-T.
Other names: c.184C>T, p.Arg62Cys (NM_001282161.2); c.193C>T, p.Arg65Cys (NM_181762.3); c.283C>T (NM_003336.2); short protein forms R95C, R62C, R65C.
Identifiers: ClinVar variation 915476 (VCV000915476.3), dbSNP rs2053457206, ClinGen allele CA414376474.
Genomic context (GRCh38, chrX:119,582,629, plus strand): 5'-CCTACTTCTTTGTTCTTAGTCTATGCAGATGGTAGTATATGTCTGGACATACTTCAGAAC[C>T]GTTGGAGTCCAACCTATGATGTGTCTTCCATTCTAACATCCATACAGGTGAATTTTTCCT-3'
Protein context (NP_003327.2, residues 85-105): GSICLDILQN[Arg95Cys]WSPTYDVSSI

ClinVar aggregate classification (germline): Uncertain significance. Review status: criteria provided, multiple submitters, no conflicts (2 of 4 stars). 2 submissions from 2 submitters: Uncertain significance (2). Last evaluated 2022-04-09.

Conditions:
Intellectual developmental disorder, X-linked, syndromic, Nascimento type. Also called: MENTAL RETARDATION, X-LINKED, SYNDROMIC 30; Syndromic X-linked intellectual disability Nascimento type. Identifiers: Orphanet 163956, MedGen C3275464, MONDO:0010461, OMIM 300860.

Submissions (2):

GeneDx
Classification: Uncertain significance. Last evaluated: 2022-04-09. Review status: criteria provided, single submitter. Criteria: GeneDx Variant Classification Process June 2021. Collection method: clinical testing. Allele origin: germline. Affected: yes.
Comment: Not observed at significant frequency in large population cohorts (gnomAD); In silico analysis supports that this missense variant has a deleterious effect on protein structure/function; This variant is associated with the following publications: (PMID: 35047860, 32415735)

Tartaglia Lab, Genetics and Rare Diseases Research Division, Bambino Gesu' Children's Hospital
Classification: Uncertain significance for Intellectual developmental disorder, X-linked, syndromic, Nascimento type. Last evaluated: 2020-03-27. Review status: criteria provided, single submitter. Criteria: ACMG Guidelines, 2015. Collection method: research. Allele origin: unknown. Affected: yes.